The following is an entry in ClinVar:

ClinVar aggregate classification (germline): Likely pathogenic (1 of 4 stars; one submission).

Conditions:
Global developmental delay with or without impaired intellectual development. Identifiers: MedGen C5193032, MONDO:0032680, OMIM 618330.

Submission:

Institute of Human Genetics, University of Leipzig Medical Center
Classification: Likely pathogenic for Global developmental delay with or without impaired intellectual development. Last evaluated: 2022-12-19. Review status: criteria provided, single submitter. Criteria: ACMG Guidelines, 2015. Collection method: clinical testing. Allele origin: paternal. Affected: yes.
Comment: Criteria applied: PVS1, PM2_Supporting

NM_181552.4(CUX1):c.2869del (p.Ala957fs)

Gene: CUX1 (cut like homeobox 1; plus strand). Cytogenetic location: 7q22.1.
Variant type: Deletion.
Coding change: c.2869del on transcript NM_181552.4 (MANE Select); coding-DNA position 2869, one base deleted (G; older notation c.2869delG).
Protein change: p.Ala957fs; shifts the reading frame from alanine 957.
Molecular consequence: frameshift variant. On other transcripts: intron variant (5).
Genome position (GRCh38, 1-based): chr7:102,202,166, G deleted; the last of 2 consecutive G bases (chr7:102,202,165-102,202,166); deleting either gives the same sequence. VCF-style (leftmost placement, unchanged base first): chr7-102202164-TG-T. GRCh37 (hg19) VCF-style: chr7-101845444-TG-T.
Other names: c.2902del, p.Ala968fs (NM_001202543.2); c.1255+6563del (NM_001913.5); c.1249+6563del (NM_181500.4); c.1117+6563del (NM_001202545.3); c.1207+6563del (NM_001202544.3); c.1138+6563del (NM_001202546.3); short protein forms A957fs, A968fs.
Identifiers: ClinVar variation 1803944 (VCV001803944.1), dbSNP rs2485475379, ClinGen allele CA2580076043.
Genomic context (GRCh38, chr7:102,202,164, plus strand): 5'-AGGTCTACATGTACCAGGAGGTGGACACCATCGAGCTCACCCGGCAGGTTAAGGAAAAGC[TG>T]GCCAAGAACGGCATCTGCCAGAGAATCTTCGGGGAGAAGGTAAGGGATCTGCTCTGGGGG-3'